The following is an entry in ClinVar:

ClinVar aggregate classification (germline): Likely benign (0 of 4 stars; one submission).

Conditions:
COL1A1-related disorder. Also called: COL1A1- related disease; COL1A1-related condition.

Submission:

PreventionGenetics, part of Exact Sciences
Classification: Likely benign for COL1A1-related condition. Last evaluated: 2021-08-25. Review status: no assertion criteria provided. Collection method: clinical testing. Allele origin: germline.
Comment: This variant is classified as likely benign based on ACMG/AMP sequence variant interpretation guidelines (Richards et al. 2015 PMID: 25741868, with internal and published modifications).

NM_000088.4(COL1A1):c.370-6C>G

Gene: COL1A1 (collagen type I alpha 1 chain; minus strand). Cytogenetic location: 17q21.33.
Variant type: single nucleotide variant.
Coding change: c.370-6C>G on transcript NM_000088.4 (MANE Select); 6 bases into the intron before coding-DNA position 370, C replaced by G.
Molecular consequence: intron variant.
Genome position (GRCh38, 1-based): chr17:50,199,333, G>C on the plus strand (C>G on the coding strand, the complement: COL1A1 is on the minus strand). VCF-style: chr17-50199333-G-C. GRCh37 (hg19) VCF-style: chr17-48276694-G-C.
Identifiers: ClinVar variation 3030516 (VCV003030516.2), dbSNP rs2509254319, ClinGen allele CA2740093785.
Genomic context (GRCh38, chr17:50,199,333, plus strand): 5'-CGGGAAGTCCAGGCTGTCCAGGGATGCCATCTCGGCCAGGGGGGCCTGCGGGTCCCTGCA[G>C]GGGGAGAGGGCGGGGCCGGGGTGAGCGTGGGGCCGAGAGCCATGCCCACCTGCAGCCCCC-3'